The following is an entry in ClinVar:

NM_000188.3(HK1):c.847del (p.Arg283fs)

Gene: HK1 (hexokinase 1; plus strand). Cytogenetic location: 10q22.1.
Variant type: Deletion.
Coding change: c.847del on transcript NM_000188.3 (MANE Select); coding-DNA position 847, one base deleted (C; older notation c.847delC).
Protein change: p.Arg283fs; shifts the reading frame from arginine 283.
Molecular consequence: frameshift variant.
Genome position (GRCh38, 1-based): chr10:69,369,596, C deleted; the last of 2 consecutive C bases (chr10:69,369,595-69,369,596); deleting either gives the same sequence. VCF-style (leftmost placement, unchanged base first): chr10-69369594-AC-A. GRCh37 (hg19) VCF-style: chr10-71129350-AC-A.
Other names: c.859del, p.Arg287fs (NM_001322364.2, NM_001358263.1, NM_033497.3 and 1 more transcripts); c.952del, p.Arg318fs (NM_001322365.2); c.763del, p.Arg255fs (NM_001322366.1); c.751del, p.Arg251fs (NM_001322367.1); c.844del, p.Arg282fs (NM_033496.3); c.811del, p.Arg271fs (NM_033500.2); short protein forms R251fs, R255fs, R271fs, R282fs, R283fs, R287fs, R318fs.
Identifiers: ClinVar variation 3067797 (VCV003067797.21), dbSNP rs2540371011, ClinGen allele CA2825001700.

ClinVar aggregate classification (germline): Uncertain significance (1 of 4 stars; one submission).

Submission:

CeGaT Center for Human Genetics Tuebingen
Classification: Uncertain significance. Last evaluated: 2024-03-01. Review status: criteria provided, single submitter. Criteria: CeGaT Center For Human Genetics Tuebingen Variant Classification Criteria Version 2. Collection method: clinical testing. Allele origin: germline. Affected: yes. Observed: 1 variant allele.
Comment: HK1: PM2